The following is an entry in ClinVar:

NM_144670.6(A2ML1):c.494G>A (p.Ser165Asn)

Gene: A2ML1 (alpha-2-macroglobulin like 1; plus strand). Cytogenetic location: 12p13.31.
Variant type: single nucleotide variant.
Coding change: c.494G>A on transcript NM_144670.6 (MANE Select); coding-DNA position 494, G replaced by A.
Protein change: p.Ser165Asn; replaces serine 165 with asparagine.
Molecular consequence: missense variant.
Genome position (GRCh38, 1-based): chr12:8,835,517, G>A. VCF-style: chr12-8835517-G-A. GRCh37 (hg19) VCF-style: chr12-8988113-G-A.
Other names: c.494G>A (NM_144670.3); short protein forms S165N.
Identifiers: ClinVar variation 1393956 (VCV001393956.7), dbSNP rs962354900, ClinGen allele CA232669494.

ClinVar aggregate classification (germline): Conflicting classifications of pathogenicity. Review status: criteria provided, conflicting classifications (1 of 4 stars). 2 submissions from 2 submitters: Uncertain significance (1); Likely benign (1). Last evaluated 2023-10-13.

Allele frequency attached by ClinVar (database versions not stated): TOPMed 0.00001.
gnomAD v4.1: 26 of 1,614,090 alleles (0.0016%); highest among the groups gnomAD compares: Non-Finnish European, 0.0022%; no homozygotes.

Submissions (2):

Labcorp Genetics (formerly Invitae), Labcorp
Classification: Uncertain significance. Last evaluated: 2023-10-13. Review status: criteria provided, single submitter. Criteria: Invitae Variant Classification Sherloc (09022015). Collection method: clinical testing. Allele origin: germline.
Comment: This sequence change replaces serine, which is neutral and polar, with asparagine, which is neutral and polar, at codon 165 of the A2ML1 protein (p.Ser165Asn). This variant is not present in population databases (gnomAD no frequency). This variant has not been reported in the literature in individuals affected with A2ML1-related conditions. ClinVar contains an entry for this variant (Variation ID: 1393956). Algorithms developed to predict the effect of missense changes on protein structure and function output the following: SIFT: "Not Available"; PolyPhen-2: "Benign"; Align-GVGD: "Not Available". The asparagine amino acid residue is found in multiple mammalian species, which suggests that this missense change does not adversely affect protein function. In summary, the available evidence is currently insufficient to determine the role of this variant in disease. Therefore, it has been classified as a Variant of Uncertain Significance.

Ambry Genetics
Classification: Likely benign. Last evaluated: 2023-05-08. Review status: criteria provided, single submitter. Criteria: Ambry Variant Classification Scheme 2023. Collection method: clinical testing. Allele origin: germline.